The following is an entry in ClinVar:

ClinVar aggregate classification (germline): Uncertain significance. Review status: criteria provided, multiple submitters, no conflicts (2 of 4 stars). 2 submissions from 2 submitters: Uncertain significance (2). Last evaluated 2025-02-06.

gnomAD v4.1: 4 of 1,528,446 alleles (0.00026%); highest among the groups gnomAD compares: Non-Finnish European, 0.00018%; no homozygotes.

Submissions (2):

Ambry Genetics
Classification: Uncertain significance. Last evaluated: 2025-02-06. Review status: criteria provided, single submitter. Criteria: Ambry Variant Classification Scheme 2023. Collection method: clinical testing. Allele origin: germline.

Labcorp Genetics (formerly Invitae), Labcorp
Classification: Uncertain significance. Last evaluated: 2021-01-26. Review status: criteria provided, single submitter. Criteria: Invitae Variant Classification Sherloc (09022015). Collection method: clinical testing. Allele origin: germline.
Comment: In summary, the available evidence is currently insufficient to determine the role of this variant in disease. Therefore, it has been classified as a Variant of Uncertain Significance. Algorithms developed to predict the effect of missense changes on protein structure and function (SIFT, PolyPhen-2, Align-GVGD) all suggest that this variant is likely to be tolerated, but these predictions have not been confirmed by published functional studies and their clinical significance is uncertain. This variant has not been reported in the literature in individuals with POLE2-related conditions. The frequency data for this variant in the population databases is considered unreliable, as metrics indicate insufficient coverage at this position in the ExAC database. This sequence change replaces alanine with glutamic acid at codon 2 of the POLE2 protein (p.Ala2Glu). The alanine residue is moderately conserved and there is a moderate physicochemical difference between alanine and glutamic acid.

NM_002692.4(POLE2):c.5C>A (p.Ala2Glu)

Gene: POLE2 (DNA polymerase epsilon 2, accessory subunit; minus strand). Cytogenetic location: 14q21.3.
Variant type: single nucleotide variant.
Coding change: c.5C>A on transcript NM_002692.4 (MANE Select); coding-DNA position 5, C replaced by A.
Protein change: p.Ala2Glu; replaces alanine 2 with glutamic acid.
Molecular consequence: missense variant. On other transcripts: 5 prime UTR variant (1).
Genome position (GRCh38, 1-based): chr14:49,688,199, G>T on the plus strand (C>A on the coding strand, the complement: POLE2 is on the minus strand). VCF-style: chr14-49688199-G-T. GRCh37 (hg19) VCF-style: chr14-50154917-G-T.
Other names: c.5C>A, p.Ala2Glu (NM_001197330.2, NM_001197331.3, NM_001348384.2); c.-231C>A (NM_001348385.2); c.5C>A (NM_002692.3); short protein forms A2E.
Identifiers: ClinVar variation 1478525 (VCV001478525.9), dbSNP rs368608405, ClinGen allele CA389618192.